The following is an entry in ClinVar:

ClinVar aggregate classification (germline): Conflicting classifications of pathogenicity. Review status: criteria provided, conflicting classifications (1 of 4 stars). 2 submissions from 2 submitters: Likely pathogenic (1); Uncertain significance (1). Last evaluated 2022-08-31.

Conditions:
PDE6C-related disorder. Also called: PDE6C-related condition.

Allele frequency attached by ClinVar (database versions not stated): gnomAD 0.00001; ExAC 0.00002; gnomAD exomes 0.00002.
gnomAD v4.1: 24 of 1,613,056 alleles (0.0015%); highest among the groups gnomAD compares: East Asian, 0.0045%; no homozygotes.

Submissions (2):

Labcorp Genetics (formerly Invitae), Labcorp
Classification: Uncertain significance. Last evaluated: 2022-08-31. Review status: criteria provided, single submitter. Criteria: Invitae Variant Classification Sherloc (09022015). Collection method: clinical testing. Allele origin: germline.
Comment: This sequence change replaces arginine, which is basic and polar, with glutamine, which is neutral and polar, at codon 238 of the PDE6C protein (p.Arg238Gln). This variant is present in population databases (rs766058431, gnomAD 0.006%). This variant has not been reported in the literature in individuals affected with PDE6C-related conditions. ClinVar contains an entry for this variant (Variation ID: 1352989). Algorithms developed to predict the effect of missense changes on protein structure and function (SIFT, PolyPhen-2, Align-GVGD) all suggest that this variant is likely to be disruptive. Algorithms developed to predict the effect of sequence changes on RNA splicing suggest that this variant may disrupt the consensus splice site. In summary, the available evidence is currently insufficient to determine the role of this variant in disease. Therefore, it has been classified as a Variant of Uncertain Significance.

Blueprint Genetics
Classification: Likely pathogenic for PDE6C-related disorders. Last evaluated: 2021-12-07. Review status: criteria provided, single submitter. Criteria: ACMG Guidelines, 2015. Collection method: clinical testing. Allele origin: germline. Affected: yes. Observed: 3 variant alleles.

NM_006204.4(PDE6C):c.713G>A (p.Arg238Gln)

Gene: PDE6C (phosphodiesterase 6C; plus strand). Cytogenetic location: 10q23.33.
Variant type: single nucleotide variant.
Coding change: c.713G>A on transcript NM_006204.4 (MANE Select); coding-DNA position 713, G replaced by A.
Protein change: p.Arg238Gln; replaces arginine 238 with glutamine.
Molecular consequence: missense variant.
Genome position (GRCh38, 1-based): chr10:93,620,970, G>A. VCF-style: chr10-93620970-G-A. GRCh37 (hg19) VCF-style: chr10-95380727-G-A.
Other names: short protein forms R238Q.
Identifiers: ClinVar variation 1352989 (VCV001352989.6), dbSNP rs766058431, ClinGen allele CA5609913.